The following is an entry in ClinVar:

NM_001291303.3(FAT4):c.13837G>A (p.Ala4613Thr)

Gene: FAT4 (FAT atypical cadherin 4; plus strand). Cytogenetic location: 4q28.1.
Variant type: single nucleotide variant.
Coding change: c.13837G>A on transcript NM_001291303.3 (MANE Select); coding-DNA position 13837, G replaced by A.
Protein change: p.Ala4613Thr; replaces alanine 4613 with threonine.
Molecular consequence: missense variant.
Genome position (GRCh38, 1-based): chr4:125,490,653, G>A. VCF-style: chr4-125490653-G-A. GRCh37 (hg19) VCF-style: chr4-126411808-G-A.
Other names: c.13831G>A (NM_024582.4, NM_024582.5); c.13834G>A, p.Ala4612Thr (NM_001291285.3); c.13831G>A, p.Ala4611Thr (NM_024582.6); short protein forms A4611T, A4612T, A4613T.
Identifiers: ClinVar variation 1484929 (VCV001484929.10), dbSNP rs151087097, ClinGen allele CA3074448.

ClinVar aggregate classification (germline): Uncertain significance. Review status: criteria provided, multiple submitters, no conflicts (2 of 4 stars). 5 submissions from 5 submitters: Uncertain significance (5). Last evaluated 2024-09-17.

Conditions:
Hennekam lymphangiectasia-lymphedema syndrome 2 (HKLLS2). Identifiers: Orphanet 2136, MedGen C4014939, MONDO:0014454, OMIM 616006.
Van Maldergem syndrome 2 (VMLDS2). Identifiers: Orphanet 314679, MedGen C3809875, MONDO:0014242, OMIM 615546.
Inborn genetic diseases. Identifiers: MedGen C0950123, MeSH D030342.

Allele frequency attached by ClinVar (database versions not stated): gnomAD exomes 0.00004; ESP Exome Variant Server 0.00008.
gnomAD v4.1: 33 of 1,613,992 alleles (0.002%); highest among the groups gnomAD compares: Admixed American, 0.022%; no homozygotes.

Submissions (5):

Blueprint Genetics
Classification: Uncertain significance. Last evaluated: 2024-09-17. Review status: criteria provided, single submitter. Criteria: ACMG Guidelines, 2015. Collection method: clinical testing. Allele origin: germline.

Fulgent Genetics
Classification: Uncertain significance for Van Maldergem syndrome 2; Hennekam lymphangiectasia-lymphedema syndrome 2. Last evaluated: 2024-02-16. Review status: criteria provided, single submitter. Criteria: ACMG Guidelines, 2015. Collection method: clinical testing. Allele origin: germline.

GeneDx
Classification: Uncertain significance. Last evaluated: 2023-11-19. Review status: criteria provided, single submitter. Criteria: GeneDx Variant Classification Process June 2021. Collection method: clinical testing. Allele origin: germline. Affected: yes.
Comment: Not observed at significant frequency in large population cohorts (gnomAD); In silico analysis supports that this missense variant does not alter protein structure/function; Has not been previously published as pathogenic or benign to our knowledge

Ambry Genetics
Classification: Uncertain significance for Inborn genetic diseases. Last evaluated: 2023-06-30. Review status: criteria provided, single submitter. Criteria: Ambry Variant Classification Scheme 2023. Collection method: clinical testing. Allele origin: germline.

Labcorp Genetics (formerly Invitae), Labcorp
Classification: Uncertain significance. Last evaluated: 2022-06-14. Review status: criteria provided, single submitter. Criteria: Invitae Variant Classification Sherloc (09022015). Collection method: clinical testing. Allele origin: germline.
Comment: This sequence change replaces alanine, which is neutral and non-polar, with threonine, which is neutral and polar, at codon 4611 of the FAT4 protein (p.Ala4611Thr). This variant is present in population databases (rs151087097, gnomAD 0.009%). This variant has not been reported in the literature in individuals affected with FAT4-related conditions. Advanced modeling of protein sequence and biophysical properties (such as structural, functional, and spatial information, amino acid conservation, physicochemical variation, residue mobility, and thermodynamic stability) performed at Invitae indicates that this missense variant is not expected to disrupt FAT4 protein function. In summary, the available evidence is currently insufficient to determine the role of this variant in disease. Therefore, it has been classified as a Variant of Uncertain Significance.